The following is an entry in ClinVar:

NM_001378778.1(MPDZ):c.521G>C (p.Ser174Thr)

Gene: MPDZ (multiple PDZ domain crumbs cell polarity complex component; minus strand). Cytogenetic location: 9p23.
Variant type: single nucleotide variant.
Coding change: c.521G>C on transcript NM_001378778.1 (MANE Select); coding-DNA position 521, G replaced by C.
Protein change: p.Ser174Thr; replaces serine 174 with threonine.
Molecular consequence: missense variant.
Genome position (GRCh38, 1-based): chr9:13,223,583, C>G on the plus strand (G>C on the coding strand, the complement: MPDZ is on the minus strand). VCF-style: chr9-13223583-C-G. GRCh37 (hg19) VCF-style: chr9-13223582-C-G.
Other names: c.521G>C, p.Ser174Thr (NM_001261406.2, NM_001261407.2, NM_001330637.2 and 14 more transcripts); short protein forms S174T.
Identifiers: ClinVar variation 1506497 (VCV001506497.3), dbSNP rs764717312, ClinGen allele CA4988103.

ClinVar aggregate classification (germline): Uncertain significance (1 of 4 stars; one submission).

Allele frequency attached by ClinVar (database versions not stated): TOPMed below 0.00001; gnomAD 0.00001; ExAC 0.00003; gnomAD exomes 0.00003.
gnomAD v4.1: 24 of 1,611,342 alleles (0.0015%); highest among the groups gnomAD compares: South Asian, 0.025%; 1 homozygote.

Submission:

Labcorp Genetics (formerly Invitae), Labcorp
Classification: Uncertain significance. Last evaluated: 2021-08-03. Review status: criteria provided, single submitter. Criteria: Invitae Variant Classification Sherloc (09022015). Collection method: clinical testing. Allele origin: germline.
Comment: This sequence change replaces serine with threonine at codon 174 of the MPDZ protein (p.Ser174Thr). The serine residue is highly conserved and there is a small physicochemical difference between serine and threonine. This variant is present in population databases (rs764717312, ExAC 0.02%). This variant has not been reported in the literature in individuals affected with MPDZ-related conditions. Algorithms developed to predict the effect of missense changes on protein structure and function are either unavailable or do not agree on the potential impact of this missense change (SIFT: "Tolerated"; PolyPhen-2: "Possibly Damaging"; Align-GVGD: "Class C0"). In summary, the available evidence is currently insufficient to determine the role of this variant in disease. Therefore, it has been classified as a Variant of Uncertain Significance.